The following is an entry in ClinVar:

NM_004551.3(NDUFS3):c.252A>T (p.Leu84Phe)

Gene: NDUFS3 (NADH:ubiquinone oxidoreductase core subunit S3; plus strand). Cytogenetic location: 11p11.2.
Variant type: single nucleotide variant.
Coding change: c.252A>T on transcript NM_004551.3 (MANE Select); coding-DNA position 252, A replaced by T.
Protein change: p.Leu84Phe; replaces leucine 84 with phenylalanine.
Molecular consequence: missense variant.
Genome position (GRCh38, 1-based): chr11:47,580,855, A>T. VCF-style: chr11-47580855-A-T. GRCh37 (hg19) VCF-style: chr11-47602407-A-T.
Other names: c.252A>T (NM_004551.2, NM_004551.1); short protein forms L84F.
Identifiers: ClinVar variation 2161784 (VCV002161784.5), dbSNP rs200420802, ClinGen allele CA5977917.
Genomic context (GRCh38, chr11:47,580,855, plus strand): 5'-TAGCTCTTTGTTCCCTCTCCCCTCACTTTCATGTGTGCAGGTGTCCTGCTTCAATGAGTT[A>T]GAGGTCTGTATCCATCCTGATGGCGTCATCCCAGTGCTGACTTTCCTCAGGGATCACACC-3'
Protein context (NP_004542.1, residues 74-94): QQVQVSCFNE[Leu84Phe]EVCIHPDGVI

ClinVar aggregate classification (germline): Uncertain significance. Review status: criteria provided, multiple submitters, no conflicts (2 of 4 stars). 3 submissions from 3 submitters: Uncertain significance (3). Last evaluated 2026-02-03.

Conditions:
Inborn genetic diseases. Identifiers: MedGen C0950123, MeSH D030342.

Allele frequency attached by ClinVar (database versions not stated): ExAC 0.00003; 1000 Genomes Project 0.00020; TOPMed 0.00004; gnomAD 0.00007; 1000 Genomes Project 30x 0.00016.
gnomAD v4.1: 48 of 1,614,218 alleles (0.003%); highest among the groups gnomAD compares: Middle Eastern, 0.066%; no homozygotes.

Submissions (3):

GeneDx
Classification: Uncertain significance. Last evaluated: 2026-02-03. Review status: criteria provided, single submitter. Criteria: GeneDx Variant Classification Process June 2021. Collection method: clinical testing. Allele origin: germline.
Comment: In silico analysis supports that this missense variant has a deleterious effect on protein structure/function; Has not been previously published as pathogenic or benign to our knowledge

Labcorp Genetics (formerly Invitae), Labcorp
Classification: Uncertain significance. Last evaluated: 2025-05-05. Review status: criteria provided, single submitter. Criteria: Invitae Variant Classification Sherloc (09022015). Collection method: clinical testing. Allele origin: germline.
Comment: This sequence change replaces leucine, which is neutral and non-polar, with phenylalanine, which is neutral and non-polar, at codon 84 of the NDUFS3 protein (p.Leu84Phe). This variant is present in population databases (rs200420802, gnomAD 0.02%). This variant has not been reported in the literature in individuals affected with NDUFS3-related conditions. ClinVar contains an entry for this variant (Variation ID: 2161784). Invitae Evidence Modeling of protein sequence and biophysical properties (such as structural, functional, and spatial information, amino acid conservation, physicochemical variation, residue mobility, and thermodynamic stability) indicates that this missense variant is expected to disrupt NDUFS3 protein function with a positive predictive value of 80%. In summary, the available evidence is currently insufficient to determine the role of this variant in disease. Therefore, it has been classified as a Variant of Uncertain Significance.

Ambry Genetics
Classification: Uncertain significance for Inborn genetic diseases. Last evaluated: 2021-07-21. Review status: criteria provided, single submitter. Criteria: Ambry Variant Classification Scheme 2023. Collection method: clinical testing. Allele origin: germline.